The following is an entry in ClinVar:

ClinVar aggregate classification (germline): Uncertain significance (1 of 4 stars; one submission).

Conditions:
Hereditary breast ovarian cancer syndrome. Also called: Hereditary breast and ovarian cancer syndrome; Hereditary breast and ovarian cancer syndrome (HBOC); BRCA1- and BRCA2-Associated Hereditary Breast and Ovarian Cancer; Hereditary breast and ovarian cancer; Breast and ovarian cancer; Hereditary breast and/or ovarian cancer syndrome. Identifiers: Orphanet 145, MedGen C0677776, MeSH D061325, MONDO:0003582. Disease mechanism: loss of function.

Submission:

Labcorp Genetics (formerly Invitae), Labcorp
Classification: Uncertain significance for Hereditary breast ovarian cancer syndrome. Last evaluated: 2024-12-02. Review status: criteria provided, single submitter. Criteria: Invitae Variant Classification Sherloc (09022015). Collection method: clinical testing. Allele origin: germline.
Comment: This sequence change replaces leucine, which is neutral and non-polar, with methionine, which is neutral and non-polar, at codon 2696 of the BRCA2 protein (p.Leu2696Met). This variant is not present in population databases (gnomAD no frequency). This variant has not been reported in the literature in individuals affected with BRCA2-related conditions. Invitae Evidence Modeling of protein sequence and biophysical properties (such as structural, functional, and spatial information, amino acid conservation, physicochemical variation, residue mobility, and thermodynamic stability) indicates that this missense variant is not expected to disrupt BRCA2 protein function with a negative predictive value of 95%. In summary, the available evidence is currently insufficient to determine the role of this variant in disease. Therefore, it has been classified as a Variant of Uncertain Significance.

NM_000059.4(BRCA2):c.8086T>A (p.Leu2696Met)

Gene: BRCA2 (BRCA2 DNA repair associated; plus strand). Cytogenetic location: 13q13.1.
Variant type: single nucleotide variant.
Coding change: c.8086T>A on transcript NM_000059.4 (MANE Select); coding-DNA position 8086, T replaced by A.
Protein change: p.Leu2696Met; replaces leucine 2696 with methionine.
Molecular consequence: missense variant. On other transcripts: non-coding transcript variant (1).
Genome position (GRCh38, 1-based): chr13:32,363,288, T>A. VCF-style: chr13-32363288-T-A. GRCh37 (hg19) VCF-style: chr13-32937425-T-A.
Other names: c.7990T>A, p.Leu2664Met (NM_001406719.1); c.8086T>A, p.Leu2696Met (NM_001406720.1, NM_001432077.1); c.3154T>A, p.Leu1052Met (NM_001406721.1); c.1669T>A, p.Leu557Met (NM_001406722.1); short protein forms L1052M, L2664M, L557M, L2696M.
Identifiers: ClinVar variation 3636530 (VCV003636530.2).